The following is an entry in ClinVar:

NM_000548.5(TSC2):c.2521G>C (p.Val841Leu)

Gene: TSC2 (TSC complex subunit 2; plus strand). Cytogenetic location: 16p13.3.
Variant type: single nucleotide variant.
Coding change: c.2521G>C on transcript NM_000548.5 (MANE Select); coding-DNA position 2521, G replaced by C.
Protein change: p.Val841Leu; replaces valine 841 with leucine.
Molecular consequence: missense variant.
Genome position (GRCh38, 1-based): chr16:2,074,365, G>C. VCF-style: chr16-2074365-G-C. GRCh37 (hg19) VCF-style: chr16-2124366-G-C.
Other names: c.2521G>C, p.Val841Leu (NM_001077183.3, NM_001114382.3, NM_001363528.2 and 6 more transcripts); c.2410G>C, p.Val804Leu (NM_001318827.2, NM_001406678.1, NM_001406670.1); c.2374G>C, p.Val792Leu (NM_001318829.2, NM_001406679.1, NM_001406675.1 and 1 more transcripts); c.1921G>C, p.Val641Leu (NM_001318831.2, NM_001406680.1, NM_001406682.1 and 6 more transcripts); c.2554G>C, p.Val852Leu (NM_001318832.2); c.2059G>C, p.Val687Leu (NM_001406681.1); c.1177G>C, p.Val393Leu (NM_001406697.1, NM_001406689.1, NM_001406690.1 and 6 more transcripts); c.919G>C, p.Val307Leu (NM_001406698.1); and 3 more; short protein forms V307L, V804L, V393L, V687L, V792L, V822L, V837L, V852L.
Identifiers: ClinVar variation 1792553 (VCV001792553.4), dbSNP rs549612492, ClinGen allele CA394277923.

ClinVar aggregate classification (germline): Uncertain significance. Review status: criteria provided, multiple submitters, no conflicts (2 of 4 stars). 2 submissions from 2 submitters: Uncertain significance (2). Last evaluated 2024-09-19.

Conditions:
Hereditary cancer-predisposing syndrome. Also called: Neoplastic Syndromes, Hereditary; Tumor predisposition; Hereditary neoplastic syndrome; Hereditary Cancer Syndrome. Identifiers: Orphanet 140162, MedGen C0027672, MeSH D009386, MONDO:0015356.
Tuberous sclerosis 2 (TSC2). Identifiers: Orphanet 805, MedGen C1860707, MONDO:0013199, OMIM 613254.

Submissions (2):

Labcorp Genetics (formerly Invitae), Labcorp
Classification: Uncertain significance for Tuberous sclerosis 2. Last evaluated: 2024-09-19. Review status: criteria provided, single submitter. Criteria: Invitae Variant Classification Sherloc (09022015). Collection method: clinical testing. Allele origin: germline.
Comment: This sequence change replaces valine, which is neutral and non-polar, with leucine, which is neutral and non-polar, at codon 841 of the TSC2 protein (p.Val841Leu). This variant is not present in population databases (gnomAD no frequency). This variant has not been reported in the literature in individuals affected with TSC2-related conditions. ClinVar contains an entry for this variant (Variation ID: 1792553). Invitae Evidence Modeling of protein sequence and biophysical properties (such as structural, functional, and spatial information, amino acid conservation, physicochemical variation, residue mobility, and thermodynamic stability) indicates that this missense variant is not expected to disrupt TSC2 protein function with a negative predictive value of 95%. In summary, the available evidence is currently insufficient to determine the role of this variant in disease. Therefore, it has been classified as a Variant of Uncertain Significance.

Ambry Genetics
Classification: Uncertain significance for Hereditary cancer-predisposing syndrome. Last evaluated: 2022-10-04. Review status: criteria provided, single submitter. Criteria: Ambry Variant Classification Scheme 2023. Collection method: clinical testing. Allele origin: germline.
Comment: The p.V841L variant (also known as c.2521G>C), located in coding exon 21 of the TSC2 gene, results from a G to C substitution at nucleotide position 2521. The valine at codon 841 is replaced by leucine, an amino acid with highly similar properties. This amino acid position is conserved. In addition, the in silico prediction for this alteration is inconclusive. Since supporting evidence is limited at this time, the clinical significance of this alteration remains unclear.